The following is an entry in ClinVar:

NM_003743.5(NCOA1):c.1237A>G (p.Met413Val)

Gene: NCOA1 (nuclear receptor coactivator 1; plus strand). Cytogenetic location: 2p23.3.
Variant type: single nucleotide variant.
Coding change: c.1237A>G on transcript NM_003743.5 (MANE Select); coding-DNA position 1237, A replaced by G.
Protein change: p.Met413Val; replaces methionine 413 with valine.
Molecular consequence: missense variant.
Genome position (GRCh38, 1-based): chr2:24,706,707, A>G. VCF-style: chr2-24706707-A-G. GRCh37 (hg19) VCF-style: chr2-24929576-A-G.
Other names: c.1237A>G, p.Met413Val (NM_001362950.1, NM_001362952.1, NM_001362954.1 and 3 more transcripts); short protein forms M413V.
Identifiers: ClinVar variation 4997456 (VCV004997456.1).
Genomic context (GRCh38, chr2:24,706,707, plus strand): 5'-AGTATCTCTCCAGCTCATGGTGTGGCTCGTTCATCCACATTGCCACCATCCAACAGCAAC[A>G]TGGTATCCACCAGAATAAACCGCCAGCAGAGCTCAGACCTTCATAGCAGCAGTCATAGTA-3'
Protein context (NP_003734.3, residues 403-423): SSTLPPSNSN[Met413Val]VSTRINRQQS

ClinVar aggregate classification (germline): Uncertain significance (1 of 4 stars; one submission).

Conditions:
NCOA1-related disorder. Also called: NCOA1-related condition.

gnomAD v4.1: 3 of 1,614,050 alleles (0.00019%); highest among the groups gnomAD compares: African/African-American, 0.004%; no homozygotes.

Submission:

PreventionGenetics, part of Exact Sciences
Classification: Uncertain significance for NCOA1-related condition. Last evaluated: 2025-01-15. Review status: criteria provided, single submitter. Criteria: ACMG Guidelines, 2015. Collection method: clinical testing. Allele origin: germline.
Comment: The NCOA1 c.1237A>G variant is predicted to result in the amino acid substitution p.Met413Val. To our knowledge, this variant has not been reported in the literature. This variant is reported in 0.0062% of alleles in individuals of African descent in gnomAD. At this time, the clinical significance of this variant is uncertain due to the absence of conclusive functional and genetic evidence.